The following is an entry in ClinVar:

NC_000006.11:g.(?_5368784)_(5545593_?)del

Gene: FARS2 (phenylalanyl-tRNA synthetase 2, mitochondrial; plus strand). Cytogenetic location: 6p25.1.
Variant type: Deletion.
Identifiers: ClinVar variation 1076465 (VCV001076465.4).

ClinVar aggregate classification (germline): Pathogenic (1 of 4 stars; one submission).

Conditions:
Combined oxidative phosphorylation defect type 14. Also called: Combined oxidative phosphorylation deficiency 14. Identifiers: Orphanet 319519, MedGen C4755312, MONDO:0013986, OMIM 614946.

Submission:

Labcorp Genetics (formerly Invitae), Labcorp
Classification: Pathogenic for Combined oxidative phosphorylation defect type 14. Last evaluated: 2020-02-26. Review status: criteria provided, single submitter. Criteria: Invitae Variant Classification Sherloc (09022015). Collection method: clinical testing. Allele origin: germline.
Comment: This variant is a gross deletion of the genomic region encompassing exons 2-5 of the FARS2 gene, which includes the initiator codon. The 5' end of this event is unknown as it extends beyond the assayed region for this gene and therefore may encompass additional genes. The 3' boundary is likely confined to intron 5 of the FARS2 gene. This is expected to result in an absent or disrupted protein product. This variant has not been reported in the literature in individuals with FARS2-related conditions. Loss-of-function variants in FARS2 are known to be pathogenic (PMID: 22833457). For these reasons, this variant has been classified as Pathogenic.

Literature cited by the submitters: PubMed 22833457.